The following is an entry in ClinVar:

ClinVar aggregate classification (germline): Uncertain significance (1 of 4 stars; one submission).

Submission:

Labcorp Genetics (formerly Invitae), Labcorp
Classification: Uncertain significance. Last evaluated: 2024-05-05. Review status: criteria provided, single submitter. Criteria: Invitae Variant Classification Sherloc (09022015). Collection method: clinical testing. Allele origin: germline.
Comment: This sequence change replaces isoleucine, which is neutral and non-polar, with methionine, which is neutral and non-polar, at codon 343 of the CLCN6 protein (p.Ile343Met). This variant is not present in population databases (gnomAD no frequency). This variant has not been reported in the literature in individuals affected with CLCN6-related conditions. An algorithm developed to predict the effect of missense changes on protein structure and function (PolyPhen-2) suggests that this variant is likely to be tolerated. In summary, the available evidence is currently insufficient to determine the role of this variant in disease. Therefore, it has been classified as a Variant of Uncertain Significance.

NM_001286.5(CLCN6):c.1029T>G (p.Ile343Met)

Gene: CLCN6 (chloride voltage-gated channel 6; plus strand). Cytogenetic location: 1p36.22.
Variant type: single nucleotide variant.
Coding change: c.1029T>G on transcript NM_001286.5 (MANE Select); coding-DNA position 1029, T replaced by G.
Protein change: p.Ile343Met; replaces isoleucine 343 with methionine.
Molecular consequence: missense variant. On other transcripts: non-coding transcript variant (1).
Genome position (GRCh38, 1-based): chr1:11,828,532, T>G. VCF-style: chr1-11828532-T-G. GRCh37 (hg19) VCF-style: chr1-11888589-T-G.
Other names: c.963T>G, p.Ile321Met (NM_001256959.2); short protein forms I343M, I321M.
Identifiers: ClinVar variation 3652193 (VCV003652193.2).